The following is an entry in ClinVar:

ClinVar aggregate classification (germline): Likely benign (1 of 4 stars; one submission).

gnomAD v4.1: 364 of 1,613,832 alleles (0.023%); highest among the groups gnomAD compares: South Asian, 0.31%; 4 homozygotes.

Submission:

CeGaT Center for Human Genetics Tuebingen
Classification: Likely benign. Last evaluated: 2026-07-01. Review status: criteria provided, single submitter. Criteria: CeGaT Center For Human Genetics Tuebingen Variant Classification Criteria Version 2. Collection method: clinical testing. Allele origin: germline. Affected: yes. Observed: 1 variant allele.
Comment: DDX23: BP4, BP7

NM_004818.3(DDX23):c.1017A>G (p.Arg339=)

Gene: DDX23 (DEAD-box helicase 23; minus strand). Cytogenetic location: 12q13.12.
Variant type: single nucleotide variant.
Coding change: c.1017A>G on transcript NM_004818.3 (MANE Select); coding-DNA position 1017, A replaced by G.
Protein change: p.Arg339=; no amino-acid change (arginine 339 retained).
Molecular consequence: synonymous variant.
Genome position (GRCh38, 1-based): chr12:48,836,788, T>C on the plus strand (A>G on the coding strand, the complement: DDX23 is on the minus strand). VCF-style: chr12-48836788-T-C. GRCh37 (hg19) VCF-style: chr12-49230571-T-C.
Identifiers: ClinVar variation 5038504 (VCV005038504.1).
Genomic context (GRCh38, chr12:48,836,788, plus strand): 5'-CTGAGACCAATGACGATCATCCCAGCGCTGCTTGGCTTCCTTCTTACGAAGTTTGCGGAG[T>C]CTTGCCCTGGAGCAGGGTGTGAGGAGTAAGTAGAATCAGTGCCCTCCAACTCCTTTCTGT-3'
Protein context (NP_004809.2, residues 329-349): TLEEKEQEEA[Arg339=]LRKLRKKEAK